The following is an entry in ClinVar:

ClinVar aggregate classification (germline): Pathogenic (1 of 4 stars; one submission).

Conditions:
Long QT syndrome (LQTS). Identifiers: MedGen C0023976, MeSH D008133, MONDO:0002442. Disease mechanism: loss of function. Inheritance: Various modes of inheritance.

Submission:

Labcorp Genetics (formerly Invitae), Labcorp
Classification: Pathogenic for Long QT syndrome. Last evaluated: 2020-03-13. Review status: criteria provided, single submitter. Criteria: Invitae Variant Classification Sherloc (09022015). Collection method: clinical testing. Allele origin: germline.
Comment: For these reasons, this variant has been classified as Pathogenic. This variant disrupts the C-terminus of the KCNH2 protein. Other variant(s) that disrupt this region (p.Glu1119*) have been determined to be pathogenic (PMID: 27920829, Invitae). This suggests that variants that disrupt this region of the protein are likely to be causative of disease. This variant has not been reported in the literature in individuals with KCNH2-related conditions. ClinVar contains an entry for this variant (Variation ID: 456921). The frequency data for this variant in the population databases is considered unreliable, as metrics indicate insufficient coverage at this position in the ExAC database. This sequence change results in a premature translational stop signal in the KCNH2 gene (p.Gly1036Alafs*85). While this is not anticipated to result in nonsense mediated decay, it is expected to disrupt the last 124 amino acids of the KCNH2 protein.

Literature cited by the submitters: PubMed 27920829.

NM_000238.4(KCNH2):c.3100_3106dup (p.Gly1036fs)

Gene: KCNH2 (potassium voltage-gated channel subfamily H member 2; minus strand). Cytogenetic location: 7q36.1.
Variant type: Duplication.
Coding change: c.3100_3106dup on transcript NM_000238.4 (MANE Select); coding-DNA positions 3100 to 3106, 7 bases duplicated (CCCCGGG; older notation c.3100_3106dupCCCCGGG).
Protein change: p.Gly1036fs; shifts the reading frame from glycine 1036.
Molecular consequence: frameshift variant.
Genome position (GRCh38, 1-based): chr7:150,947,374-150,947,380, CCCGGGG duplicated on the plus strand (CCCCGGG on the coding strand, the reverse complement: KCNH2 is on the minus strand); duplicating any 7 consecutive bases within chr7:150,947,374-150,947,382 gives the same sequence; the c. name uses the placement nearest the transcript's 3' end. VCF-style (leftmost placement, unchanged base first): chr7-150947373-C-CCCCGGGG. GRCh37 (hg19) VCF-style: chr7-150644461-C-CCCCGGGG.
Other names: c.2080_2086dup, p.Gly696fs (NM_172057.3); c.3100_3106dupCCCCGGG (NM_000238.3); short protein forms G1036fs, G696fs.
Identifiers: ClinVar variation 456921 (VCV000456921.8), dbSNP rs1554424062, ClinGen allele CA658656011.